The following is an entry in ClinVar:

NM_178012.5(TUBB2B):c.510G>A (p.Met170Ile)

Gene: TUBB2B (tubulin beta 2B class IIb; minus strand). Cytogenetic location: 6p25.2.
Variant type: single nucleotide variant.
Coding change: c.510G>A on transcript NM_178012.5 (MANE Select); coding-DNA position 510, G replaced by A.
Protein change: p.Met170Ile; replaces methionine 170 with isoleucine.
Molecular consequence: missense variant.
Genome position (GRCh38, 1-based): chr6:3,225,579, C>T on the plus strand (G>A on the coding strand, the complement: TUBB2B is on the minus strand). VCF-style: chr6-3225579-C-T. GRCh37 (hg19) VCF-style: chr6-3225813-C-T.
Other names: short protein forms M170I.
Identifiers: ClinVar variation 1715349 (VCV001715349.5), dbSNP rs2533617572, ClinGen allele CA362588263.

ClinVar aggregate classification (germline): Likely pathogenic (1 of 4 stars; one submission).

Submission:

Labcorp Genetics (formerly Invitae), Labcorp
Classification: Likely pathogenic. Last evaluated: 2023-08-28. Review status: criteria provided, single submitter. Criteria: Invitae Variant Classification Sherloc (09022015). Collection method: clinical testing. Allele origin: germline.
Comment: In summary, the currently available evidence indicates that the variant is pathogenic, but additional data are needed to prove that conclusively. Therefore, this variant has been classified as Likely Pathogenic. Advanced modeling of protein sequence and biophysical properties (such as structural, functional, and spatial information, amino acid conservation, physicochemical variation, residue mobility, and thermodynamic stability) performed at Invitae indicates that this missense variant is not expected to disrupt TUBB2B protein function. ClinVar contains an entry for this variant (Variation ID: 1715349). This missense change has been observed in individual(s) with clinical features of tubulinopathy (Invitae). In at least one individual the variant was observed to be de novo. This variant is not present in population databases (gnomAD no frequency). This sequence change replaces methionine, which is neutral and non-polar, with isoleucine, which is neutral and non-polar, at codon 170 of the TUBB2B protein (p.Met170Ile).